The following is an entry in ClinVar:

ClinVar aggregate classification (germline): Uncertain significance (1 of 4 stars; one submission).

Conditions:
Ehlers-Danlos syndrome, classic type, 1 (EDSCL1). Also called: Ehlers-Danlos Syndrome, Classic Type, COL5A1-Related; EHLERS-DANLOS SYNDROME, GRAVIS TYPE; EHLERS-DANLOS SYNDROME, SEVERE CLASSIC TYPE; Ehlers-Danlos syndrome, type 1; EDS I. Identifiers: MedGen C0268335, MONDO:0019567, OMIM 130000.

gnomAD v4.1: 3 of 1,613,916 alleles (0.00019%); highest among the groups gnomAD compares: Non-Finnish European, 0.00025%; no homozygotes.

Submission:

Labcorp Genetics (formerly Invitae), Labcorp
Classification: Uncertain significance for Ehlers-Danlos syndrome, classic type, 1. Last evaluated: 2022-05-08. Review status: criteria provided, single submitter. Criteria: Invitae Variant Classification Sherloc (09022015). Collection method: clinical testing. Allele origin: germline.
Comment: In summary, the available evidence is currently insufficient to determine the role of this variant in disease. Therefore, it has been classified as a Variant of Uncertain Significance. Advanced modeling of protein sequence and biophysical properties (such as structural, functional, and spatial information, amino acid conservation, physicochemical variation, residue mobility, and thermodynamic stability) performed at Invitae indicates that this missense variant is not expected to disrupt COL5A2 protein function. This variant has not been reported in the literature in individuals affected with COL5A2-related conditions. This variant is not present in population databases (gnomAD no frequency). This sequence change replaces arginine, which is basic and polar, with proline, which is neutral and non-polar, at codon 1060 of the COL5A2 protein (p.Arg1060Pro).

NM_000393.5(COL5A2):c.3179G>C (p.Arg1060Pro)

Gene: COL5A2 (collagen type V alpha 2 chain; minus strand). Cytogenetic location: 2q32.2.
Variant type: single nucleotide variant.
Coding change: c.3179G>C on transcript NM_000393.5 (MANE Select); coding-DNA position 3179, G replaced by C.
Protein change: p.Arg1060Pro; replaces arginine 1060 with proline.
Molecular consequence: missense variant.
Genome position (GRCh38, 1-based): chr2:189,048,231, C>G on the plus strand (G>C on the coding strand, the complement: COL5A2 is on the minus strand). VCF-style: chr2-189048231-C-G. GRCh37 (hg19) VCF-style: chr2-189912957-C-G.
Other names: short protein forms R1060P.
Identifiers: ClinVar variation 2135681 (VCV002135681.4), dbSNP rs761042179, ClinGen allele CA349864525.